The following is an entry in ClinVar:

NM_006206.6(PDGFRA):c.998A>G (p.Lys333Arg)

Gene: PDGFRA (platelet derived growth factor receptor alpha; plus strand). Cytogenetic location: 4q12.
Variant type: single nucleotide variant.
Coding change: c.998A>G on transcript NM_006206.6 (MANE Select); coding-DNA position 998, A replaced by G.
Protein change: p.Lys333Arg; replaces lysine 333 with arginine.
Molecular consequence: missense variant.
Genome position (GRCh38, 1-based): chr4:54,267,618, A>G. VCF-style: chr4-54267618-A-G. GRCh37 (hg19) VCF-style: chr4-55133785-A-G.
Other names: c.998A>G, p.Lys333Arg (NM_001347827.2, NM_001347829.2); c.1073A>G, p.Lys358Arg (NM_001347828.2); c.1037A>G, p.Lys346Arg (NM_001347830.2); short protein forms K346R, K358R, K333R.
Identifiers: ClinVar variation 1514167 (VCV001514167.10), dbSNP rs1577715382, ClinGen allele CA356891576.
Genomic context (GRCh38, chr4:54,267,618, plus strand): 5'-GTTTCATTGAAATCAAACCCACCTTCAGCCAGTTGGAAGCTGTCAACCTGCATGAAGTCA[A>G]ACATTTTGTTGTAGAGGTGCGGGCCTACCCACCTCCCAGGATATCCTGGCTGAAAAACAA-3'
Protein context (NP_006197.1, residues 323-343): QLEAVNLHEV[Lys333Arg]HFVVEVRAYP

ClinVar aggregate classification (germline): Conflicting classifications of pathogenicity. Review status: criteria provided, conflicting classifications (1 of 4 stars). 2 submissions from 2 submitters: Uncertain significance (1); Likely benign (1). Last evaluated 2024-11-19.

Conditions:
Hereditary cancer-predisposing syndrome. Also called: Tumor predisposition; Neoplastic Syndromes, Hereditary; Hereditary Cancer Syndrome; Hereditary neoplastic syndrome. Identifiers: Orphanet 140162, MedGen C0027672, MeSH D009386, MONDO:0015356.
Gastrointestinal stromal tumor. Also called: Gastrointestinal stromal tumor, somatic; Gastrointestinal stroma tumor. Identifiers: Orphanet 44890, MedGen C0238198, MeSH D046152, MONDO:0011719, OMIM 606764, HP:0100723.

Allele frequency attached by ClinVar (database versions not stated): gnomAD exomes below 0.00001.
gnomAD v4.1: 3 of 1,614,172 alleles (0.00019%); highest among the groups gnomAD compares: East Asian, 0.0045%; no homozygotes.

Submissions (2):

Labcorp Genetics (formerly Invitae), Labcorp
Classification: Uncertain significance for Gastrointestinal stromal tumor. Last evaluated: 2024-11-19. Review status: criteria provided, single submitter. Criteria: Invitae Variant Classification Sherloc (09022015). Collection method: clinical testing. Allele origin: germline.
Comment: This sequence change replaces lysine, which is basic and polar, with arginine, which is basic and polar, at codon 333 of the PDGFRA protein (p.Lys333Arg). This variant is not present in population databases (gnomAD no frequency). This variant has not been reported in the literature in individuals affected with PDGFRA-related conditions. ClinVar contains an entry for this variant (Variation ID: 1514167). An algorithm developed to predict the effect of missense changes on protein structure and function outputs the following: PolyPhen-2: "Benign". The arginine amino acid residue is found in multiple mammalian species, which suggests that this missense change does not adversely affect protein function. In summary, the available evidence is currently insufficient to determine the role of this variant in disease. Therefore, it has been classified as a Variant of Uncertain Significance.

Ambry Genetics
Classification: Likely benign for Hereditary cancer-predisposing syndrome. Last evaluated: 2021-08-15. Review status: criteria provided, single submitter. Criteria: Ambry Variant Classification Scheme 2023. Collection method: clinical testing. Allele origin: germline.